The following is an entry in ClinVar:

ClinVar aggregate classification (germline): Uncertain significance (1 of 4 stars; one submission).

Conditions:
Neurodevelopmental disorder with coarse facies and mild distal skeletal abnormalities. Also called: STOLERMAN NEURODEVELOPMENTAL SYNDROME. Identifiers: MedGen C5193134, MONDO:0032790, OMIM 618505.

Submission:

Neuberg Centre For Genomic Medicine, NCGM
Classification: Uncertain significance for Neurodevelopmental disorder with coarse facies and mild distal skeletal abnormalities. Review status: criteria provided, single submitter. Criteria: ACMG Guidelines, 2015. Collection method: clinical testing. Allele origin: germline. Inheritance: Autosomal dominant inheritance. Affected: yes.
Comment: The observed missense variant c.3073A>Cp.Ser1025Arg in the KDM6B gene has not been reported previously as a pathogenic variant nor as a benign variant, to our knowledge. This variant is absent in the gnomAD Exomes. The amino acid Ser at position 1025 is changed to a Arg changing protein sequence and it might alter its composition and physico-chemical properties. Multiple lines of computational evidence Polyphen - Damaging and MutationTaster - Disease causing predict a damaging effect on protein structure and function for this variant. The residue is conserved by GERP++ and PhyloP across 100 vertebrates. For these reasons, this variant has been classified as Uncertain Significance.

NM_001348716.2(KDM6B):c.3073A>C (p.Ser1025Arg)

Gene: KDM6B (lysine demethylase 6B; plus strand). Cytogenetic location: 17p13.1.
Variant type: single nucleotide variant.
Coding change: c.3073A>C on transcript NM_001348716.2 (MANE Select); coding-DNA position 3073, A replaced by C.
Protein change: p.Ser1025Arg; replaces serine 1025 with arginine.
Molecular consequence: missense variant.
Genome position (GRCh38, 1-based): chr17:7,849,361, A>C. VCF-style: chr17-7849361-A-C. GRCh37 (hg19) VCF-style: chr17-7752679-A-C.
Other names: c.3073A>C, p.Ser1025Arg (NM_001080424.2); short protein forms S1025R.
Identifiers: ClinVar variation 3391275 (VCV003391275.1).
Genomic context (GRCh38, chr17:7,849,361, plus strand): 5'-GCCAAGGCCAAGGTCCCCAAAGAAAAGAGCCGCCGGGTGCTGGGGAACCTGGACCTGCAG[A>C]GCGAGGAGATCCAGGGTCGTGAGAAGTCCCGGCCCGATCTTGGCGGGGCCTCCAAGGCCA-3'
Protein context (NP_001335645.1, residues 1015-1035): RRVLGNLDLQ[Ser1025Arg]EEIQGREKSR